The following is an entry in ClinVar:

NM_003738.5(PTCH2):c.3479T>C (p.Met1160Thr)

Gene: PTCH2 (patched 2; minus strand). Cytogenetic location: 1p34.1.
Variant type: single nucleotide variant.
Coding change: c.3479T>C on transcript NM_003738.5 (MANE Select); coding-DNA position 3479, T replaced by C.
Protein change: p.Met1160Thr; replaces methionine 1160 with threonine.
Molecular consequence: missense variant. On other transcripts: intron variant (1).
Genome position (GRCh38, 1-based): chr1:44,822,548, A>G on the plus strand (T>C on the coding strand, the complement: PTCH2 is on the minus strand). VCF-style: chr1-44822548-A-G. GRCh37 (hg19) VCF-style: chr1-45288220-A-G.
Other names: c.3425+54T>C (NM_001166292.2); short protein forms M1160T.
Identifiers: ClinVar variation 1062815 (VCV001062815.9), dbSNP rs576908403, ClinGen allele CA822675.

ClinVar aggregate classification (germline): Uncertain significance (1 of 4 stars; one submission).

Conditions:
Gorlin syndrome. Also called: Basal cell nevus syndrome; Nevoid Basal Cell Carcinoma Syndrome. Identifiers: Orphanet 377, MedGen C0004779, MONDO:0007187.

Allele frequency attached by ClinVar (database versions not stated): gnomAD exomes below 0.00001; ExAC 0.00001; gnomAD 0.00001; 1000 Genomes Project 0.00020; 1000 Genomes Project 30x 0.00031.

Submission:

Labcorp Genetics (formerly Invitae), Labcorp
Classification: Uncertain significance for Gorlin syndrome. Last evaluated: 2020-03-08. Review status: criteria provided, single submitter. Criteria: Invitae Variant Classification Sherloc (09022015). Collection method: clinical testing. Allele origin: germline.
Comment: This sequence change replaces methionine with threonine at codon 1160 of the PTCH2 protein (p.Met1160Thr). The methionine residue is moderately conserved and there is a moderate physicochemical difference between methionine and threonine. This variant is present in population databases (rs576908403, ExAC 0.009%). This variant has not been reported in the literature in individuals with PTCH2-related conditions. Algorithms developed to predict the effect of missense changes on protein structure and function are either unavailable or do not agree on the potential impact of this missense change (SIFT: "Tolerated"; PolyPhen-2: "Benign"; Align-GVGD: "Class C0"). In summary, the available evidence is currently insufficient to determine the role of this variant in disease. Therefore, it has been classified as a Variant of Uncertain Significance.